The following is an entry in ClinVar:

ClinVar aggregate classification (germline): Benign (0 of 4 stars; one submission).

Conditions:
CD6-related disorder. Also called: CD6-related condition.

Allele frequency attached by ClinVar (database versions not stated): 1000 Genomes Project 0.46685; 1000 Genomes Project 30x 0.47236; ExAC 0.55490; gnomAD 0.60478; TOPMed 0.61483; gnomAD exomes 0.61630; ESP Exome Variant Server 0.66172.
gnomAD v4.1: 993,021 of 1,613,662 alleles (62%); highest among the groups gnomAD compares: Middle Eastern, 82%; 317,416 homozygotes.

Submission:

PreventionGenetics, part of Exact Sciences
Classification: Benign for CD6-related condition. Last evaluated: 2019-10-17. Review status: no assertion criteria provided. Collection method: clinical testing. Allele origin: germline.
Comment: This variant is classified as benign based on ACMG/AMP sequence variant interpretation guidelines (Richards et al. 2015 PMID: 25741868, with internal and published modifications).

NM_006725.5(CD6):c.1704A>G (p.Ser568=)

Gene: CD6 (CD6 molecule; plus strand). Cytogenetic location: 11q12.2.
Variant type: single nucleotide variant.
Coding change: c.1704A>G on transcript NM_006725.5 (MANE Select); coding-DNA position 1704, A replaced by G.
Protein change: p.Ser568=; no amino-acid change (serine 568 retained).
Molecular consequence: synonymous variant. On other transcripts: non-coding transcript variant (1).
Genome position (GRCh38, 1-based): chr11:61,017,880, A>G. VCF-style: chr11-61017880-A-G. GRCh37 (hg19) VCF-style: chr11-60785352-A-G.
Other names: c.1608A>G, p.Ser536= (NM_001254750.2); c.1581A>G, p.Ser527= (NM_001254751.2).
Identifiers: ClinVar variation 3059454 (VCV003059454.2), dbSNP rs1050922, ClinGen allele CA6030307.